The following is an entry in ClinVar:

ClinVar aggregate classification (germline): Likely benign. Review status: criteria provided, multiple submitters, no conflicts (2 of 4 stars). 4 submissions from 4 submitters: Likely benign (4). Last evaluated 2025-12-09.

Conditions:
Osteogenesis imperfecta type I (OI1). Also called: Lobstein's Disease; Classic Non-deforming Osteogenesis Imperfecta with Blue Sclerae; Lobstein disease; OI, TYPE I; OSTEOGENESIS IMPERFECTA TARDA; OSTEOGENESIS IMPERFECTA WITH BLUE SCLERAE. Identifiers: Orphanet 216796, Orphanet 666, MedGen C0023931, MONDO:0008146, OMIM 166200. Disease mechanism: loss of function.
Cardiovascular phenotype. Identifiers: MedGen CN230736.

Allele frequency attached by ClinVar (database versions not stated): ExAC 0.00003; gnomAD 0.00003 and 0.00004; gnomAD exomes 0.00003 and 0.00005; TOPMed 0.00006.
gnomAD v4.1: 51 of 1,613,950 alleles (0.0032%); highest among the groups gnomAD compares: Admixed American, 0.022%; no homozygotes.

Submissions (4):

Labcorp Genetics (formerly Invitae), Labcorp
Classification: Likely benign for Osteogenesis imperfecta type I. Last evaluated: 2025-12-09. Review status: criteria provided, single submitter. Criteria: Invitae Variant Classification Sherloc (09022015). Collection method: clinical testing. Allele origin: germline.

Blueprint Genetics
Classification: Likely benign. Last evaluated: 2024-07-12. Review status: criteria provided, single submitter. Criteria: ACMG Guidelines, 2015. Collection method: clinical testing. Allele origin: germline.

Ambry Genetics
Classification: Likely benign for Cardiovascular phenotype. Last evaluated: 2022-06-27. Review status: criteria provided, single submitter. Criteria: Ambry Variant Classification Scheme 2023. Collection method: clinical testing. Allele origin: germline.

GeneDx
Classification: Likely benign. Last evaluated: 2016-01-25. Review status: criteria provided, single submitter. Criteria: GeneDx Variant Classification (06012015). Collection method: clinical testing. Allele origin: germline. Affected: yes.
Comment: This variant is considered likely benign or benign based on one or more of the following criteria: it is a conservative change, it occurs at a poorly conserved position in the protein, it is predicted to be benign by multiple in silico algorithms, and/or has population frequency not consistent with disease.

NM_000088.4(COL1A1):c.1785T>A (p.Ala595=)

Gene: COL1A1 (collagen type I alpha 1 chain; minus strand). Cytogenetic location: 17q21.33.
Variant type: single nucleotide variant.
Coding change: c.1785T>A on transcript NM_000088.4 (MANE Select); coding-DNA position 1785, T replaced by A.
Protein change: p.Ala595=; no amino-acid change (alanine 595 retained).
Molecular consequence: synonymous variant.
Genome position (GRCh38, 1-based): chr17:50,193,030, A>T on the plus strand (T>A on the coding strand, the complement: COL1A1 is on the minus strand). VCF-style: chr17-50193030-A-T. GRCh37 (hg19) VCF-style: chr17-48270391-A-T.
Identifiers: ClinVar variation 383395 (VCV000383395.15), dbSNP rs780217716, ClinGen allele CA8645103.
Genomic context (GRCh38, chr17:50,193,030, plus strand): 5'-TAGGGATGGAAAGGAGATACTTACGACAGCGCCAGGGGGTCCGGGAACACCTCGCTCTCC[A>T]GCCTTGCCGGGCTCTCCCTGTGGAGAAAGGGAGTTAGGGTTGAGGGGGCTGAAGTGAGAA-3'
Protein context (NP_000079.2, residues 585-605): PKGAAGEPGK[Ala595=]GERGVPGPPG